The following is an entry in ClinVar:

ClinVar aggregate classification (germline): Uncertain significance (1 of 4 stars; one submission).

Conditions:
Perlman syndrome (PRLMNS). Identifiers: Orphanet 2849, MedGen C0796113, MONDO:0009965, OMIM 267000.

Submission:

Labcorp Genetics (formerly Invitae), Labcorp
Classification: Uncertain significance for Perlman syndrome. Last evaluated: 2022-03-16. Review status: criteria provided, single submitter. Criteria: Invitae Variant Classification Sherloc (09022015). Collection method: clinical testing. Allele origin: germline.
Comment: This sequence change falls in intron 10 of the DIS3L2 gene. It does not directly change the encoded amino acid sequence of the DIS3L2 protein. It affects a nucleotide within the consensus splice site. This variant is not present in population databases (gnomAD no frequency). This variant has not been reported in the literature in individuals affected with DIS3L2-related conditions. Variants that disrupt the consensus splice site are a relatively common cause of aberrant splicing (PMID: 17576681, 9536098). Algorithms developed to predict the effect of sequence changes on RNA splicing suggest that this variant may disrupt the consensus splice site. In summary, the available evidence is currently insufficient to determine the role of this variant in disease. Therefore, it has been classified as a Variant of Uncertain Significance.

Literature cited by the submitters: PubMed 17576681; PubMed 9536098.

NM_152383.5(DIS3L2):c.1204+5G>A

Gene: DIS3L2 (DIS3 like 3'-5' exoribonuclease 2; plus strand). Cytogenetic location: 2q37.1.
Variant type: single nucleotide variant.
Coding change: c.1204+5G>A on transcript NM_152383.5 (MANE Select); 5 bases into the intron after coding-DNA position 1204, G replaced by A.
Molecular consequence: intron variant.
Genome position (GRCh38, 1-based): chr2:232,210,410, G>A. VCF-style: chr2-232210410-G-A. GRCh37 (hg19) VCF-style: chr2-233075120-G-A.
Other names: c.1204+5G>A (NM_001257281.2).
Identifiers: ClinVar variation 1409594 (VCV001409594.6), dbSNP rs2106218072, ClinGen allele CA2573135541.
Genomic context (GRCh38, chr2:232,210,410, plus strand): 5'-CCCATCAACCGCCCGAGACCTCGATGATGCCCTCTCCTGCAAGCCACTCGCTGACGGTAG[G>A]ATGGAAATTTCTATAGCATCTTGGGTAGCAGGCAGTCTGCATGCCTGTGTGGTTAGCCTG-3'